The following is an entry in ClinVar:

ClinVar aggregate classification (germline): Uncertain significance (1 of 4 stars; one submission).

Submission:

GeneDx
Classification: Uncertain significance. Last evaluated: 2022-08-31. Review status: criteria provided, single submitter. Criteria: GeneDx Variant Classification Process June 2021. Collection method: clinical testing. Allele origin: germline.
Comment: Not observed at significant frequency in large population cohorts (gnomAD); Nonsense variant predicted to result in protein truncation or nonsense mediated decay in a gene or region of a gene for which loss of function is not a well-established mechanism of disease; Has not been previously published as pathogenic or benign to our knowledge

NM_001103146.3(GIGYF2):c.2848C>T (p.Gln950Ter)

Gene: GIGYF2 (GRB10 interacting GYF protein 2; plus strand). Cytogenetic location: 2q37.1.
Variant type: single nucleotide variant.
Coding change: c.2848C>T on transcript NM_001103146.3 (MANE Select); coding-DNA position 2848, C replaced by T.
Protein change: p.Gln950Ter; replaces glutamine 950 with a stop codon.
Molecular consequence: nonsense. On other transcripts: non-coding transcript variant (1).
Genome position (GRCh38, 1-based): chr2:232,839,930, C>T. VCF-style: chr2-232839930-C-T. GRCh37 (hg19) VCF-style: chr2-233704640-C-T.
Other names: c.2848C>T, p.Gln950Ter (NM_015575.4); c.2911C>T, p.Gln971Ter (NM_001103147.2); c.2830C>T, p.Gln944Ter (NM_001103148.2); short protein forms Q944*, Q950*, Q971*.
Identifiers: ClinVar variation 4888171 (VCV004888171.1).